The following is an entry in ClinVar:

ClinVar aggregate classification (germline): Likely pathogenic (1 of 4 stars; one submission).

Conditions:
Bosch-Boonstra-Schaaf optic atrophy syndrome (BBSOAS). Also called: NR2F1-Related Neurodevelopmental Disorder. Identifiers: Orphanet 401777, MedGen C3810363, MONDO:0014320, OMIM 615722.

Submission:

Department of Human Genetics, Hannover Medical School
Classification: Likely pathogenic for Bosch-Boonstra-Schaaf optic atrophy syndrome. Last evaluated: 2025-02-21. Review status: criteria provided, single submitter. Criteria: ACMG Guidelines, 2015. Collection method: clinical testing. Allele origin: de novo. Affected: yes.
Comment: ACMG: PS2_Supporting, PM1, PM2_Supporting, PP2, PP3_Strong

NM_005654.6(NR2F1):c.421T>G (p.Cys141Gly)

Genes: NR2F1 (nuclear receptor subfamily 2 group F member 1; plus strand), NR2F1-AS1 (NR2F1 regulatory antisense RNA 1; minus strand). Cytogenetic location: 5q15.
Variant type: single nucleotide variant.
Coding change: c.421T>G on transcript NM_005654.6 (MANE Select); coding-DNA position 421, T replaced by G.
Protein change: p.Cys141Gly; replaces cysteine 141 with glycine.
Molecular consequence: missense variant. On other transcripts: non-coding transcript variant (8).
Genome position (GRCh38, 1-based): chr5:93,585,444, T>G. VCF-style: chr5-93585444-T-G. GRCh37 (hg19) VCF-style: chr5-92921150-T-G.
Other names: short protein forms C141G.
Identifiers: ClinVar variation 3731609 (VCV003731609.1).